The following is an entry in ClinVar:

NM_206933.4(USH2A):c.5777-1G>T

Genes: USH2A (usherin; minus strand), USH2A-AS2 (USH2A antisense RNA 2; plus strand). Cytogenetic location: 1q41.
Variant type: single nucleotide variant.
Coding change: c.5777-1G>T on transcript NM_206933.4 (MANE Select); the canonical splice acceptor site of the intron before coding-DNA position 5777, G replaced by T.
Molecular consequence: splice acceptor variant.
Genome position (GRCh38, 1-based): chr1:216,072,970, C>A on the plus strand (G>T on the coding strand, the complement: USH2A is on the minus strand). VCF-style: chr1-216072970-C-A. GRCh37 (hg19) VCF-style: chr1-216246312-C-A.
Identifiers: ClinVar variation 3607254 (VCV003607254.2).

ClinVar aggregate classification (germline): Pathogenic (1 of 4 stars; one submission).

gnomAD v4.1: 1 of 1,613,718 alleles (0.000062%); highest among the groups gnomAD compares: African/African-American, 0.0013%; no homozygotes.

Submission:

Labcorp Genetics (formerly Invitae), Labcorp
Classification: Pathogenic. Last evaluated: 2024-12-17. Review status: criteria provided, single submitter. Criteria: Invitae Variant Classification Sherloc (09022015). Collection method: clinical testing. Allele origin: germline.
Comment: This sequence change affects an acceptor splice site in intron 28 of the USH2A gene. It is expected to disrupt RNA splicing. Variants that disrupt the donor or acceptor splice site typically lead to a loss of protein function (PMID: 16199547), and loss-of-function variants in USH2A are known to be pathogenic (PMID: 10729113, 10909849, 20507924, 25649381). This variant is not present in population databases (gnomAD no frequency). Disruption of this splice site has been observed in individual(s) with Usher syndrome (PMID: 31046701). In at least one individual the data is consistent with being in trans (on the opposite chromosome) from a pathogenic variant. It has also been observed to segregate with disease in related individuals. Algorithms developed to predict the effect of sequence changes on RNA splicing suggest that this variant may disrupt the consensus splice site. For these reasons, this variant has been classified as Pathogenic.

Literature cited by the submitters: PubMed 16199547; PubMed 10729113; PubMed 10909849; PubMed 20507924; PubMed 25649381; PubMed 31046701.